The following is an entry in ClinVar:

ClinVar aggregate classification (germline): Conflicting classifications of pathogenicity. Review status: criteria provided, conflicting classifications (1 of 4 stars). 12 submissions from 10 submitters: Uncertain significance (4); Benign (1); Likely benign (7). Last evaluated 2026-01-27.

Conditions:
Myosin storage myopathy (CMYO7A). Also called: MYH7-related late-onset scapuloperoneal muscular dystrophy; Congenital myopathy 7A, myosin storage, autosomal dominant; Scapuloperoneal myopathy, MYH7-related; MYOPATHY WITH LYSIS OF TYPE I MYOFIBRILS; SCAPULOPERONEAL MUSCULAR DYSTROPHY; SCAPULOPERONEAL SYNDROME, MYOPATHIC TYPE. Identifiers: Orphanet 437572, Orphanet 636965, MedGen C1842160, MONDO:0008409, OMIM 608358.
Cardiomyopathy (CMYO). Also called: Cardiomyopathies. Identifiers: Orphanet 167848, MedGen C0878544, MONDO:0004994, HP:0001638. Inheritance: Various modes of inheritance.
MYH7-related skeletal myopathy. Also called: Laing early-onset distal myopathy; MYOPATHY, DISTAL, EARLY-ONSET, AUTOSOMAL DOMINANT; MYOPATHY, LATE DISTAL HEREDITARY; Myopathy, distal, 1; Laing distal myopathy. Identifiers: Orphanet 59135, MedGen C4552004, MONDO:0008050, OMIM 160500.
Hypertrophic cardiomyopathy 1 (CMH1). Also called: Familial hypertrophic cardiomyopathy 1; MYH7-Related Familial Hypertrophic Cardiomyopathy. Identifiers: MedGen C3495498, MONDO:0008647, OMIM 192600.
Hypertrophic cardiomyopathy. Also called: HYPERTROPHIC MYOCARDIOPATHY. Identifiers: Orphanet 217569, MedGen C0007194, MeSH D002312, MONDO:0005045, HP:0001639.

Allele frequency attached by ClinVar (database versions not stated): ExAC 0.00010; gnomAD exomes 0.00010 and 0.00013; gnomAD 0.00012 and 0.00013; TOPMed 0.00013; ESP Exome Variant Server 0.00031.
gnomAD v4.1: 211 of 1,613,836 alleles (0.013%); highest among the groups gnomAD compares: Non-Finnish European, 0.017%; no homozygotes.

Submissions (12):

Labcorp Genetics (formerly Invitae), Labcorp
Classification: Likely benign for Hypertrophic cardiomyopathy. Last evaluated: 2026-01-27. Review status: criteria provided, single submitter. Criteria: Invitae Variant Classification Sherloc (09022015). Collection method: clinical testing. Allele origin: germline.

Women's Health and Genetics/Laboratory Corporation of America, LabCorp
Classification: Likely benign. Last evaluated: 2025-05-31. Review status: criteria provided, single submitter. Criteria: LabCorp Variant Classification Summary - May 2015. Collection method: clinical testing. Allele origin: germline.
Comment: Variant summary: MYH7 c.3726+6C>T alters a nucleotide located close to a canonical splice site and therefore could affect mRNA splicing, leading to a significantly altered protein sequence. Consensus agreement among computation tools predict no significant impact on normal splicing. However, these predictions have yet to be confirmed by functional studies. The variant allele was found at a frequency of 9.5e-05 in 251314 control chromosomes (gnomAD). c.3726+6C>T has been observed in an individual(s) affected with Cardiomyopathy (van Lint_2019). This report does not provide unequivocal conclusions about association of the variant with Cardiomyopathy. To our knowledge, no experimental evidence demonstrating an impact on protein function has been reported. The following publication has been ascertained in the context of this evaluation (PMID: 30847666). ClinVar contains an entry for this variant (Variation ID: 42970). Based on the evidence outlined above, the variant was classified as likely benign.

ARUP Laboratories, Molecular Genetics and Genomics, ARUP Laboratories
Classification: Likely benign. Last evaluated: 2025-01-23. Review status: criteria provided, single submitter. Criteria: ARUP Molecular Germline Variant Investigation Process 2024. Collection method: clinical testing. Allele origin: germline.

GeneDx
Classification: Uncertain significance. Last evaluated: 2024-07-17. Review status: criteria provided, single submitter. Criteria: GeneDx Variant Classification Process June 2021. Collection method: clinical testing. Allele origin: germline. Affected: yes.
Comment: Reported in association with cardiomyopathy and in one individual with HCM who harbored a co-occurring pathogenic variant in the MYBPC3 gene (PMID: 21511876, 23054336, 30847666); In silico analysis supports a deleterious effect on splicing; This variant is associated with the following publications: (PMID: 23054336, 30847666, 21511876)

Blueprint Genetics
Classification: Likely benign. Last evaluated: 2023-07-20. Review status: criteria provided, single submitter. Criteria: ACMG Guidelines, 2015. Collection method: clinical testing. Allele origin: germline.

Laboratory for Molecular Medicine, Mass General Brigham Personalized Medicine
Classification: Likely benign. Last evaluated: 2020-09-25. Review status: criteria provided, single submitter. Criteria: LMM Criteria. Collection method: clinical testing. Allele origin: germline. Observed: 3 variant alleles.
Comment: The c.3726+C>T variant in MYH7 is classified as likely benign because it has been identified in 0.018% (24/129010) of European chromosomes by gnomAD. This variant is located in the 5' splice region; however, computational splice prediction tools do not predict an impact on splicing. Additionally, this variant has been identified in two individuals with HCM with additional variants in another cardiomyopathy gene that were sufficient to explain their observed phenotype (Miller 2013 PMID: 23054336; LMM internal data). ACMG/AMP Criteria applied: BS1, BP4.

Mayo Clinic Laboratories, Mayo Clinic
Classification: Uncertain significance. Last evaluated: 2020-02-12. Review status: criteria provided, single submitter. Criteria: ACMG Guidelines, 2015. Collection method: clinical testing. Allele origin: germline. Observed: 1 variant allele.

CHEO Genetics Diagnostic Laboratory, Children's Hospital of Eastern Ontario
Classification: Likely benign for Cardiomyopathy. Last evaluated: 2020-01-02. Review status: criteria provided, single submitter. Criteria: ACMG Guidelines, 2015. Collection method: clinical testing. Allele origin: germline.

Color Diagnostics, LLC DBA Color Health
Classification: Likely benign for Cardiomyopathy. Last evaluated: 2019-01-11. Review status: criteria provided, single submitter. Criteria: ACMG Guidelines, 2015. Collection method: clinical testing. Allele origin: germline.

Illumina Laboratory Services, Illumina
Classification: Uncertain significance for Myosin storage myopathy. Last evaluated: 2018-06-19. Review status: criteria provided, single submitter. Criteria: ICSL Variant Classification Criteria 13 December 2019. Collection method: clinical testing. Allele origin: germline.

Illumina Laboratory Services, Illumina
Classification: Uncertain significance for Hypertrophic cardiomyopathy 1. Last evaluated: 2018-06-19. Review status: criteria provided, single submitter. Criteria: ICSL Variant Classification Criteria 13 December 2019. Collection method: clinical testing. Allele origin: germline.
Comment: This variant was observed as part of a predisposition screen in an ostensibly healthy population. A literature search was performed for the gene, cDNA change, and amino acid change (where applicable). Publications were found based on this search. However, the evidence from the literature, in combination with allele frequency data from public databases where available, was not sufficient to rule this variant in or out of causing disease. Therefore, this variant is classified as a variant of unknown significance.

Illumina Laboratory Services, Illumina
Classification: Benign for MYH7-related skeletal myopathy. Last evaluated: 2018-06-19. Review status: criteria provided, single submitter. Criteria: ICSL Variant Classification Criteria 13 December 2019. Collection method: clinical testing. Allele origin: germline.
Comment: This variant was observed as part of a predisposition screen in an ostensibly healthy population. A literature search was performed for the gene, cDNA change, and amino acid change (where applicable). No publications were found based on this search. Allele frequency data from public databases was too high to be consistent with this variant causing disease. Therefore, this variant is classified as benign.

Literature cited by the submitters: PubMed 30847666 (cited by Women's Health and Genetics/Laboratory Corporation of America, LabCorp); PubMed 21511876 (cited by Laboratory for Molecular Medicine, Mass General Brigham Personalized Medicine and Illumina Laboratory Services, Illumina); PubMed 23054336 (cited by Illumina Laboratory Services, Illumina).

NM_000257.4(MYH7):c.3726+6C>T

Gene: MYH7 (myosin heavy chain 7; minus strand). Cytogenetic location: 14q11.2.
Variant type: single nucleotide variant.
Coding change: c.3726+6C>T on transcript NM_000257.4 (MANE Select); 6 bases into the intron after coding-DNA position 3726, C replaced by T.
Molecular consequence: intron variant.
Genome position (GRCh38, 1-based): chr14:23,419,839, G>A on the plus strand (C>T on the coding strand, the complement: MYH7 is on the minus strand). VCF-style: chr14-23419839-G-A. GRCh37 (hg19) VCF-style: chr14-23889048-G-A.
Identifiers: ClinVar variation 42970 (VCV000042970.31), dbSNP rs377745688, ClinGen allele CA013998.